The following is an entry in ClinVar:

ClinVar aggregate classification (germline): Uncertain significance (1 of 4 stars; one submission).

Allele frequency attached by ClinVar (database versions not stated): gnomAD exomes 0.00002; ExAC 0.00003; gnomAD 0.00004; TOPMed 0.00006; ESP Exome Variant Server 0.00015.

Submission:

Labcorp Genetics (formerly Invitae), Labcorp
Classification: Uncertain significance. Last evaluated: 2024-12-19. Review status: criteria provided, single submitter. Criteria: Invitae Variant Classification Sherloc (09022015). Collection method: clinical testing. Allele origin: germline.
Comment: This sequence change replaces glutamic acid, which is acidic and polar, with glutamine, which is neutral and polar, at codon 1574 of the LTBP2 protein (p.Glu1574Gln). This variant also falls at the last nucleotide of exon 32, which is part of the consensus splice site for this exon. This variant is present in population databases (rs200184208, gnomAD 0.01%). This variant has not been reported in the literature in individuals affected with LTBP2-related conditions. ClinVar contains an entry for this variant (Variation ID: 1512222). An algorithm developed to predict the effect of missense changes on protein structure and function (PolyPhen-2) suggests that this variant is likely to be disruptive. Variants that disrupt the consensus splice site are a relatively common cause of aberrant splicing (PMID: 17576681, 9536098). In summary, the available evidence is currently insufficient to determine the role of this variant in disease. Therefore, it has been classified as a Variant of Uncertain Significance.

Literature cited by the submitters: PubMed 17576681; PubMed 9536098.

NM_000428.3(LTBP2):c.4720G>C (p.Glu1574Gln)

Gene: LTBP2 (latent transforming growth factor beta binding protein 2; minus strand). Cytogenetic location: 14q24.3.
Variant type: single nucleotide variant.
Coding change: c.4720G>C on transcript NM_000428.3 (MANE Select); coding-DNA position 4720, G replaced by C.
Protein change: p.Glu1574Gln; replaces glutamic acid 1574 with glutamine.
Molecular consequence: missense variant.
Genome position (GRCh38, 1-based): chr14:74,503,469, C>G on the plus strand (G>C on the coding strand, the complement: LTBP2 is on the minus strand). VCF-style: chr14-74503469-C-G. GRCh37 (hg19) VCF-style: chr14-74970172-C-G.
Other names: short protein forms E1574Q.
Identifiers: ClinVar variation 1512222 (VCV001512222.4), dbSNP rs200184208, ClinGen allele CA7268672.